The following is an entry in ClinVar:

NM_001127208.3(TET2):c.3997dup (p.Met1333fs)

Genes: TET2 (tet methylcytosine dioxygenase 2; plus strand), TET2-AS1 (TET2 antisense RNA 1; minus strand). Cytogenetic location: 4q24.
Variant type: Duplication.
Coding change: c.3997dup on transcript NM_001127208.3 (MANE Select); coding-DNA position 3997, one base duplicated (A; older notation c.3997dupA).
Protein change: p.Met1333fs; shifts the reading frame from methionine 1333.
Molecular consequence: frameshift variant.
Genome position (GRCh38, 1-based): chr4:105,261,801, A duplicated. VCF-style (leftmost placement, unchanged base first): chr4-105261800-T-TA. GRCh37 (hg19) VCF-style: chr4-106182957-T-TA.
Other names: short protein forms M1333fs.
Identifiers: ClinVar variation 3716831 (VCV003716831.2).

ClinVar aggregate classification (germline): Pathogenic (1 of 4 stars; one submission).

Submission:

Labcorp Genetics (formerly Invitae), Labcorp
Classification: Pathogenic. Last evaluated: 2024-12-04. Review status: criteria provided, single submitter. Criteria: Invitae Variant Classification Sherloc (09022015). Collection method: clinical testing. Allele origin: germline.
Comment: This sequence change creates a premature translational stop signal (p.Met1333Asnfs*6) in the TET2 gene. It is expected to result in an absent or disrupted protein product. Loss-of-function variants in TET2 are known to be pathogenic (PMID: 36066697). This variant is not present in population databases (gnomAD no frequency). This variant has not been reported in the literature in individuals affected with TET2-related conditions. For these reasons, this variant has been classified as Pathogenic.

Literature cited by the submitters: PubMed 36066697.